The following is an entry in ClinVar:

NM_001267550.2(TTN):c.52405+1G>T

Genes: TTN-AS1 (TTN antisense RNA 1; plus strand), TTN (titin; minus strand). Cytogenetic location: 2q31.2.
Variant type: single nucleotide variant.
Coding change: c.52405+1G>T on transcript NM_001267550.2 (MANE Select); the canonical splice donor site of the intron after coding-DNA position 52405, G replaced by T.
Molecular consequence: splice donor variant.
Genome position (GRCh38, 1-based): chr2:178,608,605, C>A on the plus strand (G>T on the coding strand, the complement: TTN is on the minus strand). VCF-style: chr2-178608605-C-A. GRCh37 (hg19) VCF-style: chr2-179473332-C-A.
Other names: c.25210+1G>T (NM_003319.4); c.25786+1G>T (NM_133437.4); c.25585+1G>T (NM_133432.3); c.44701+1G>T (NM_133378.4); c.47482+1G>T (NM_001256850.1).
Identifiers: ClinVar variation 2952783 (VCV002952783.3), dbSNP rs2470347675, ClinGen allele CA349574129.

ClinVar aggregate classification (germline): Likely pathogenic (1 of 4 stars; one submission).

Conditions:
Autosomal recessive limb-girdle muscular dystrophy type 2J (LGMDR10). Also called: Limb-girdle muscular dystrophy, type 2J; MUSCULAR DYSTROPHY, LIMB-GIRDLE, AUTOSOMAL RECESSIVE 10. Identifiers: Orphanet 140922, MedGen C1837342, MONDO:0012127, OMIM 608807.
Dilated cardiomyopathy 1G (CMD1G). Identifiers: Orphanet 154, MedGen C1858763, MONDO:0011400, OMIM 604145.

Submission:

Labcorp Genetics (formerly Invitae), Labcorp
Classification: Likely pathogenic for Dilated cardiomyopathy 1G; Autosomal recessive limb-girdle muscular dystrophy type 2J. Last evaluated: 2023-10-11. Review status: criteria provided, single submitter. Criteria: Invitae Variant Classification Sherloc (09022015). Collection method: clinical testing. Allele origin: germline.
Comment: This sequence change affects a donor splice site in intron 274 of the TTN gene. It is expected to disrupt RNA splicing and likely results in a truncated or disrupted TTN protein. This variant is not present in population databases (gnomAD no frequency). Disruption of this splice site has been observed in individual(s) with dilated cardiomyopathy (Invitae). Algorithms developed to predict the effect of sequence changes on RNA splicing suggest that this variant may disrupt the consensus splice site. This variant is located in the A band of TTN (PMID: 25589632). Truncating variants in this region are significantly overrepresented in patients affected with dilated cardiomyopathy (PMID: 25589632). Truncating variants in this region have also been reported in individuals affected with autosomal recessive centronuclear myopathy (PMID: 23975875). In summary, the currently available evidence indicates that the variant is pathogenic, but additional data are needed to prove that conclusively. Therefore, this variant has been classified as Likely Pathogenic.

Literature cited by the submitters: PubMed 25589632; PubMed 23975875.